The following is an entry in ClinVar:

NM_000094.4(COL7A1):c.4120-20T>C

Gene: COL7A1 (collagen type VII alpha 1 chain; minus strand). Cytogenetic location: 3p21.31.
Variant type: single nucleotide variant.
Coding change: c.4120-20T>C on transcript NM_000094.4 (MANE Select); 20 bases into the intron before coding-DNA position 4120, T replaced by C.
Molecular consequence: intron variant.
Genome position (GRCh38, 1-based): chr3:48,584,395, A>G on the plus strand (T>C on the coding strand, the complement: COL7A1 is on the minus strand). VCF-style: chr3-48584395-A-G. GRCh37 (hg19) VCF-style: chr3-48621828-A-G.
Identifiers: ClinVar variation 383003 (VCV000383003.1), dbSNP rs1057521500, ClinGen allele CA16604950.

ClinVar aggregate classification (germline): Likely benign (1 of 4 stars; one submission).

Allele frequency attached by ClinVar (database versions not stated): gnomAD exomes below 0.00001.
gnomAD v4.1: 2 of 1,613,666 alleles (0.00012%); highest among the groups gnomAD compares: Non-Finnish European, 0.00017%; no homozygotes.

Submission:

GeneDx
Classification: Likely benign. Last evaluated: 2016-01-05. Review status: criteria provided, single submitter. Criteria: GeneDx Variant Classification (06012015). Collection method: clinical testing. Allele origin: germline. Affected: yes.
Comment: This variant is considered likely benign or benign based on one or more of the following criteria: it is a conservative change, it occurs at a poorly conserved position in the protein, it is predicted to be benign by multiple in silico algorithms, and/or has population frequency not consistent with disease.